The following is an entry in ClinVar:

NM_004655.4(AXIN2):c.1392C>A (p.Ser464=)

Gene: AXIN2 (axin 2; minus strand). Cytogenetic location: 17q24.1.
Variant type: single nucleotide variant.
Coding change: c.1392C>A on transcript NM_004655.4 (MANE Select); coding-DNA position 1392, C replaced by A.
Protein change: p.Ser464=; no amino-acid change (serine 464 retained).
Molecular consequence: synonymous variant.
Genome position (GRCh38, 1-based): chr17:65,537,644, G>T on the plus strand (C>A on the coding strand, the complement: AXIN2 is on the minus strand). VCF-style: chr17-65537644-G-T. GRCh37 (hg19) VCF-style: chr17-63533762-G-T.
Other names: c.1392C>A, p.Ser464= (NM_001363813.1).
Identifiers: ClinVar variation 797030 (VCV000797030.12), dbSNP rs1425878510, ClinGen allele CA501691181.
Genomic context (GRCh38, chr17:65,537,644, plus strand): 5'-ACCGGGCGGGAGCAGGGAGTGGTACTGCGAATGGTGGTGGTGGTGGTGGTCCGGGGAGCG[G>T]GAGCGGGGGCTATAGCGGCCTACGCCTGGAGACTGGCAGCCAGGGGTCTTGAGGACCCTG-3'
Protein context (NP_004646.3, residues 454-474): SPGVGRYSPR[Ser464=]RSPDHHHHHH

ClinVar aggregate classification (germline): Benign/Likely benign. Review status: criteria provided, multiple submitters, no conflicts (2 of 4 stars). 3 submissions from 3 submitters: Benign (1); Likely benign (2). Last evaluated 2024-07-19.

Conditions:
Hereditary cancer-predisposing syndrome. Also called: Neoplastic Syndromes, Hereditary; Hereditary neoplastic syndrome; Tumor predisposition; Hereditary Cancer Syndrome. Identifiers: Orphanet 140162, MedGen C0027672, MeSH D009386, MONDO:0015356.
Oligodontia-cancer predisposition syndrome. Also called: TOOTH AGENESIS-COLORECTAL CANCER SYNDROME. Identifiers: Orphanet 300576, MedGen C1837750, MONDO:0012075, OMIM 608615. Disease mechanism: loss of function.

Allele frequency attached by ClinVar (database versions not stated): gnomAD exomes below 0.00001.
gnomAD v4.1: 1 of 1,579,076 alleles (0.000063%); highest among the groups gnomAD compares: South Asian, 0.0011%; no homozygotes.

Submissions (3):

Labcorp Genetics (formerly Invitae), Labcorp
Classification: Likely benign for Oligodontia-cancer predisposition syndrome. Last evaluated: 2024-07-19. Review status: criteria provided, single submitter. Criteria: Invitae Variant Classification Sherloc (09022015). Collection method: clinical testing. Allele origin: germline.

Myriad Genetics, Inc.
Classification: Benign for Oligodontia-cancer predisposition syndrome. Last evaluated: 2024-07-03. Review status: criteria provided, single submitter. Criteria: Myriad Autosomal Dominant, Autosomal Recessive and X-Linked Classification Criteria (2023). Collection method: clinical testing. Allele origin: unknown.
Comment: This variant is considered benign. This variant is a silent/synonymous amino acid change and it is not expected to impact splicing.

Ambry Genetics
Classification: Likely benign for Hereditary cancer-predisposing syndrome. Last evaluated: 2021-06-30. Review status: criteria provided, single submitter. Criteria: Ambry Variant Classification Scheme 2023. Collection method: clinical testing. Allele origin: germline.